The following is an entry in ClinVar:

NM_002519.3(NPAT):c.3460G>A (p.Glu1154Lys)

Gene: NPAT (nuclear protein, coactivator of histone transcription; minus strand). Cytogenetic location: 11q22.3.
Variant type: single nucleotide variant.
Coding change: c.3460G>A on transcript NM_002519.3 (MANE Select); coding-DNA position 3460, G replaced by A.
Protein change: p.Glu1154Lys; replaces glutamic acid 1154 with lysine.
Molecular consequence: missense variant.
Genome position (GRCh38, 1-based): chr11:108,161,626, C>T on the plus strand (G>A on the coding strand, the complement: NPAT is on the minus strand). VCF-style: chr11-108161626-C-T. GRCh37 (hg19) VCF-style: chr11-108032353-C-T.
Other names: c.3481G>A, p.Glu1161Lys (NM_001321307.1); short protein forms E1161K, E1154K.
Identifiers: ClinVar variation 3407172 (VCV003407172.1).

ClinVar aggregate classification (germline): Uncertain significance (1 of 4 stars; one submission).

Submission:

Ambry Genetics
Classification: Uncertain significance. Last evaluated: 2024-07-09. Review status: criteria provided, single submitter. Criteria: Ambry Variant Classification Scheme 2023. Collection method: clinical testing. Allele origin: germline.
Comment: The p.E1154K variant (also known as c.3460G>A), located in coding exon 17 of the NPAT gene, results from a G to A substitution at nucleotide position 3460. The glutamic acid at codon 1154 is replaced by lysine, an amino acid with similar properties. This amino acid position is conserved. In addition, this alteration is predicted to be tolerated by in silico analysis. Based on the available evidence, the clinical significance of this variant remains unclear.